The following is an entry in ClinVar:

ClinVar aggregate classification (germline): Uncertain significance (1 of 4 stars; one submission).

gnomAD v4.1: 15 of 1,613,960 alleles (0.00093%); highest among the groups gnomAD compares: African/African-American, 0.004%; no homozygotes.

Submission:

Labcorp Genetics (formerly Invitae), Labcorp
Classification: Uncertain significance. Last evaluated: 2024-03-05. Review status: criteria provided, single submitter. Criteria: Invitae Variant Classification Sherloc (09022015). Collection method: clinical testing. Allele origin: germline.
Comment: This sequence change replaces alanine, which is neutral and non-polar, with threonine, which is neutral and polar, at codon 56 of the TRAF3IP1 protein (p.Ala56Thr). This variant is present in population databases (rs373603096, gnomAD 0.02%). This variant has not been reported in the literature in individuals affected with TRAF3IP1-related conditions. Advanced modeling of protein sequence and biophysical properties (such as structural, functional, and spatial information, amino acid conservation, physicochemical variation, residue mobility, and thermodynamic stability) performed at Invitae indicates that this missense variant is not expected to disrupt TRAF3IP1 protein function with a negative predictive value of 80%. In summary, the available evidence is currently insufficient to determine the role of this variant in disease. Therefore, it has been classified as a Variant of Uncertain Significance.

NM_015650.4(TRAF3IP1):c.166G>A (p.Ala56Thr)

Gene: TRAF3IP1 (TRAF3 interacting protein 1; plus strand). Cytogenetic location: 2q37.3.
Variant type: single nucleotide variant.
Coding change: c.166G>A on transcript NM_015650.4 (MANE Select); coding-DNA position 166, G replaced by A.
Protein change: p.Ala56Thr; replaces alanine 56 with threonine.
Molecular consequence: missense variant.
Genome position (GRCh38, 1-based): chr2:238,325,348, G>A. VCF-style: chr2-238325348-G-A. GRCh37 (hg19) VCF-style: chr2-239233989-G-A.
Other names: c.166G>A, p.Ala56Thr (NM_001139490.1); short protein forms A56T.
Identifiers: ClinVar variation 3607115 (VCV003607115.2).
Genomic context (GRCh38, chr2:238,325,348, plus strand): 5'-TTTCTTTCTCTCTTGAAGGTGATTAGAATGACTGGTTTCATGAAGGGCCTCTACACAGAC[G>A]CCGAGATGAAGTCTGATAATGTGAAGGTGGGTTTGAGTCGGGCTTCTCCTATTGACTCCT-3'
Protein context (NP_056465.2, residues 46-66): TGFMKGLYTD[Ala56Thr]EMKSDNVKDK